The following is an entry in ClinVar:

ClinVar aggregate classification (germline): Pathogenic (1 of 4 stars; one submission).

Allele frequency attached by ClinVar (database versions not stated): gnomAD exomes below 0.00001; ExAC 0.00001.

Submission:

Labcorp Genetics (formerly Invitae), Labcorp
Classification: Pathogenic. Last evaluated: 2023-10-06. Review status: criteria provided, single submitter. Criteria: Invitae Variant Classification Sherloc (09022015). Collection method: clinical testing. Allele origin: germline.
Comment: This sequence change creates a premature translational stop signal (p.Gln261*) in the GLE1 gene. It is expected to result in an absent or disrupted protein product. Loss-of-function variants in GLE1 are known to be pathogenic (PMID: 18204449, 24243016, 27684565). This variant is present in population databases (rs747231463, gnomAD 0.0009%). This variant has not been reported in the literature in individuals affected with GLE1-related conditions. For these reasons, this variant has been classified as Pathogenic.

Literature cited by the submitters: PubMed 18204449; PubMed 24243016; PubMed 27684565.

NM_001003722.2(GLE1):c.781C>T (p.Gln261Ter)

Gene: GLE1 (GLE1 RNA export mediator; plus strand). Cytogenetic location: 9q34.11.
Variant type: single nucleotide variant.
Coding change: c.781C>T on transcript NM_001003722.2 (MANE Select); coding-DNA position 781, C replaced by T.
Protein change: p.Gln261Ter; replaces glutamine 261 with a stop codon.
Molecular consequence: nonsense.
Genome position (GRCh38, 1-based): chr9:128,523,730, C>T. VCF-style: chr9-128523730-C-T. GRCh37 (hg19) VCF-style: chr9-131286009-C-T.
Other names: c.781C>T, p.Gln261Ter (NM_001411013.1, NM_001499.2); short protein forms Q261*.
Identifiers: ClinVar variation 2766283 (VCV002766283.3), dbSNP rs747231463, ClinGen allele CA5263699.